The following is an entry in ClinVar:

NM_000143.4(FH):c.122_123del (p.Ala41fs)

Gene: FH (fumarate hydratase; minus strand). Cytogenetic location: 1q43.
Variant type: Microsatellite.
Coding change: c.122_123del on transcript NM_000143.4 (MANE Select); coding-DNA positions 122 to 123, 2 bases deleted (CG; older notation c.122_123delCG).
Protein change: p.Ala41fs; shifts the reading frame from alanine 41.
Molecular consequence: frameshift variant.
Genome position (GRCh38, 1-based): chr1:241,519,600-241,519,601, CG deleted on the plus strand (CG on the coding strand, the reverse complement: FH is on the minus strand); deleting any 2 consecutive bases within chr1:241,519,600-241,519,603 gives the same sequence; the c. name uses the placement nearest the transcript's 3' end. VCF-style (leftmost placement, unchanged base first): chr1-241519599-CCG-C. GRCh37 (hg19) VCF-style: chr1-241682899-CCG-C.
Other names: c.120_121CG[1], p.Ala41Glyfs (NM_000143.3); c.122_123del (NM_000143.3); short protein forms A41fs.
Identifiers: ClinVar variation 2663296 (VCV002663296.1), dbSNP rs2527344909, ClinGen allele CA2695200399.

ClinVar aggregate classification (germline): Uncertain significance (1 of 4 stars; one submission).

Submission:

GeneDx
Classification: Uncertain significance. Last evaluated: 2023-10-26. Review status: criteria provided, single submitter. Criteria: GeneDx Variant Classification Process June 2021. Collection method: clinical testing. Allele origin: germline. Affected: yes.
Comment: Frameshift variant in a gene for which loss-of-function is a known mechanism of disease; however, a downstream in-frame ATG could serve as an alternate initiator codon (PMID: 27037871); Has not been previously published as pathogenic or benign to our knowledge; Not observed at significant frequency in large population cohorts (gnomAD); This variant is associated with the following publications: (PMID: 27037871)